The following is an entry in ClinVar:

ClinVar aggregate classification (germline): Likely pathogenic (1 of 4 stars; one submission).

Conditions:
Microcephaly, normal intelligence and immunodeficiency (NBS). Also called: BERLIN BREAKAGE SYNDROME; Nijmegen breakage syndrome; Microcephaly with normal intelligence immunodeficiency and lymphoreticular malignancies; Nonsyndromal microcephaly autosomal recessive with normal intelligence; Seemanova syndrome 2; IMMUNODEFICIENCY, MICROCEPHALY, AND CHROMOSOMAL INSTABILITY. Identifiers: Orphanet 647, MedGen C0398791, MONDO:0009623, OMIM 251260.

Submission:

Labcorp Genetics (formerly Invitae), Labcorp
Classification: Likely pathogenic for Microcephaly, normal intelligence and immunodeficiency. Last evaluated: 2023-12-06. Review status: criteria provided, single submitter. Criteria: Invitae Variant Classification Sherloc (09022015). Collection method: clinical testing. Allele origin: germline.
Comment: This sequence change creates a premature translational stop signal (p.Gln730Thrfs*12) in the NBN gene. While this is not anticipated to result in nonsense mediated decay, it is expected to disrupt the last 25 amino acid(s) of the NBN protein. This variant is not present in population databases (gnomAD no frequency). This variant has not been reported in the literature in individuals affected with NBN-related conditions. ClinVar contains an entry for this variant (Variation ID: 1490827). Algorithms developed to predict the effect of sequence changes on RNA splicing suggest that this variant may disrupt the consensus splice site. This variant disrupts the ATM interaction domain of the NBN protein (PMID: 24894818, 21035407), which is important for activating ATM in the double-strand break repair pathway (PMID: 15964794, 15048089). While functional studies have not been performed to directly test the effect of this variant on NBN protein function, this suggests that disruption of this region of the protein is causative of disease. In summary, the currently available evidence indicates that the variant is pathogenic, but additional data are needed to prove that conclusively. Therefore, this variant has been classified as Likely Pathogenic.

Literature cited by the submitters: PubMed 24894818; PubMed 21035407; PubMed 15964794; PubMed 15048089.

NM_002485.5(NBN):c.2187dup (p.Gln730fs)

Gene: NBN (nibrin; minus strand). Cytogenetic location: 8q21.3.
Variant type: Duplication.
Coding change: c.2187dup on transcript NM_002485.5 (MANE Select); coding-DNA position 2187, one base duplicated (A; older notation c.2187dupA).
Protein change: p.Gln730fs; shifts the reading frame from glutamine 730.
Molecular consequence: frameshift variant.
Genome position (GRCh38, 1-based): chr8:89,937,073, T duplicated on the plus strand (A on the coding strand, the reverse complement: NBN is on the minus strand). VCF-style (leftmost placement, unchanged base first): chr8-89937072-G-GT. GRCh37 (hg19) VCF-style: chr8-90949300-G-GT.
Other names: c.1941dup, p.Gln648fs (NM_001024688.3); short protein forms Q648fs, Q730fs.
Identifiers: ClinVar variation 1490827 (VCV001490827.6), dbSNP rs2130739402, ClinGen allele CA2573143330.